The following is an entry in ClinVar:

ClinVar aggregate classification (germline): Likely pathogenic (1 of 4 stars; one submission).

Conditions:
Craniofacial microsomia 1 (CFM1). Also called: Hemifacial microsomia. Identifiers: Orphanet 374, MedGen C3495417, MONDO:0958175, OMIM 164210.

gnomAD v4.1: 2 of 1,613,578 alleles (0.00012%); highest among the groups gnomAD compares: Non-Finnish European, 0.000085%; no homozygotes.

Submission:

Diagnostics Services (NGS), CSIR - Centre For Cellular And Molecular Biology
Classification: Likely pathogenic for Craniofacial microsomia 1. Last evaluated: 2022-05-18. Review status: criteria provided, single submitter. Criteria: ACMG Guidelines, 2015. Collection method: clinical testing. Allele origin: unknown. Inheritance: Autosomal dominant inheritance. Affected: yes. Observed: 1 variant allele, 1 heterozygote.
Comment: The c.628C>T variant is not present in publicly available population databases like 1000 Genomes, Exome Variant Server (EVS), Exome Aggregation Consortium (ExAC), Genome Aggregation Database (gnomAD) and Indian Exome Database. The variant is not present in our in-house exome database. The variant was not previously reported to ClinVar, Human Genome Mutation Database (HGMD) and/or OMIM databases, in any affected individuals. In-silico pathogenicity prediction programs like MutationTaster2, CADD, Varsome, InterVar etc. predicted this variant to be likely deleterious. Recently the ZYG11B gene was associated with OAVS or Goldenhar Syndrome and a denovo heterozygous nonsense variant (NM_024646.3:c.1609G>T:p.Glu537Ter) was reported in literature to cause the syndrome (PMID:32738032).

Literature cited by the submitters: PubMed 32738032.

NM_024646.3(ZYG11B):c.628C>T (p.Arg210Ter)

Gene: ZYG11B (zyg-11 family member B, cell cycle regulator; plus strand). Cytogenetic location: 1p32.3.
Variant type: single nucleotide variant.
Coding change: c.628C>T on transcript NM_024646.3 (MANE Select); coding-DNA position 628, C replaced by T.
Protein change: p.Arg210Ter; replaces arginine 210 with a stop codon.
Molecular consequence: nonsense.
Genome position (GRCh38, 1-based): chr1:52,771,451, C>T. VCF-style: chr1-52771451-C-T. GRCh37 (hg19) VCF-style: chr1-53237123-C-T.
Other names: short protein forms R210*.
Identifiers: ClinVar variation 1691311 (VCV001691311.4), dbSNP rs1365622597, ClinGen allele CA340360743.